The following is an entry in ClinVar:

ClinVar aggregate classification (germline): Uncertain significance (1 of 4 stars; one submission).

Allele frequency attached by ClinVar (database versions not stated): TOPMed 0.00021; gnomAD 0.00022; 1000 Genomes Project 30x 0.00031; ESP Exome Variant Server 0.00031; ExAC 0.00037; 1000 Genomes Project 0.00040.
gnomAD v4.1: 383 of 1,613,942 alleles (0.024%); highest among the groups gnomAD compares: South Asian, 0.078%; 3 homozygotes.

Submission:

GeneDx
Classification: Uncertain significance. Last evaluated: 2023-01-24. Review status: criteria provided, single submitter. Criteria: GeneDx Variant Classification Process June 2021. Collection method: clinical testing. Allele origin: germline. Affected: yes.
Comment: In silico analysis supports that this missense variant does not alter protein structure/function; In silico analysis suggests this variant may impact gene splicing. In the absence of RNA/functional studies, the actual effect of this sequence change is unknown.; Has not been previously published as pathogenic or benign to our knowledge

NM_019108.4(SMG9):c.1235A>G (p.Asn412Ser)

Gene: SMG9 (SMG9 nonsense mediated mRNA decay factor; minus strand). Cytogenetic location: 19q13.31.
Variant type: single nucleotide variant.
Coding change: c.1235A>G on transcript NM_019108.4 (MANE Select); coding-DNA position 1235, A replaced by G.
Protein change: p.Asn412Ser; replaces asparagine 412 with serine.
Molecular consequence: missense variant.
Genome position (GRCh38, 1-based): chr19:43,733,428, T>C on the plus strand (A>G on the coding strand, the complement: SMG9 is on the minus strand). VCF-style: chr19-43733428-T-C. GRCh37 (hg19) VCF-style: chr19-44237580-T-C.
Other names: short protein forms N412S.
Identifiers: ClinVar variation 2573804 (VCV002573804.1), dbSNP rs140674886, ClinGen allele CA9491208.